The following is an entry in ClinVar:

ClinVar aggregate classification (germline): Benign/Likely benign. Review status: criteria provided, multiple submitters, no conflicts (2 of 4 stars). 3 submissions from 3 submitters: Benign (1); Likely benign (2). Last evaluated 2026-06-16.

Conditions:
Polyps, multiple and recurrent inflammatory fibroid, gastrointestinal. Identifiers: MedGen C5193005, MONDO:0008285, OMIM 175510.
Hereditary cancer-predisposing syndrome. Also called: Neoplastic Syndromes, Hereditary; Hereditary Cancer Syndrome; Hereditary neoplastic syndrome; Tumor predisposition. Identifiers: Orphanet 140162, MedGen C0027672, MeSH D009386, MONDO:0015356.
Gastrointestinal stromal tumor. Also called: Gastrointestinal stroma tumor; Gastrointestinal stromal tumor, somatic. Identifiers: Orphanet 44890, MedGen C0238198, MeSH D046152, MONDO:0011719, OMIM 606764, HP:0100723.

Allele frequency attached by ClinVar (database versions not stated): gnomAD 0.00001; TOPMed 0.00001.
gnomAD v4.1: 2 of 1,613,804 alleles (0.00012%); highest among the groups gnomAD compares: Non-Finnish European, 0.00017%; no homozygotes.

Submissions (3):

Myriad Genetics, Inc.
Classification: Benign for Polyps, multiple and recurrent inflammatory fibroid, gastrointestinal. Last evaluated: 2026-06-16. Review status: criteria provided, single submitter. Criteria: Myriad Autosomal Dominant, Autosomal Recessive and X-Linked Classification Criteria (2023). Collection method: clinical testing. Allele origin: unknown.
Comment: This variant is considered benign. This variant is a silent/synonymous amino acid change and it is not expected to impact splicing.

Labcorp Genetics (formerly Invitae), Labcorp
Classification: Likely benign for Gastrointestinal stromal tumor. Last evaluated: 2026-01-25. Review status: criteria provided, single submitter. Criteria: Invitae Variant Classification Sherloc (09022015). Collection method: clinical testing. Allele origin: germline.

Ambry Genetics
Classification: Likely benign for Hereditary cancer-predisposing syndrome. Last evaluated: 2022-08-28. Review status: criteria provided, single submitter. Criteria: Ambry Variant Classification Scheme 2023. Collection method: clinical testing. Allele origin: germline.

NM_006206.6(PDGFRA):c.603C>T (p.Ile201=)

Gene: PDGFRA (platelet derived growth factor receptor alpha; plus strand). Cytogenetic location: 4q12.
Variant type: single nucleotide variant.
Coding change: c.603C>T on transcript NM_006206.6 (MANE Select); coding-DNA position 603, C replaced by T.
Protein change: p.Ile201=; no amino-acid change (isoleucine 201 retained).
Molecular consequence: synonymous variant.
Genome position (GRCh38, 1-based): chr4:54,263,902, C>T. VCF-style: chr4-54263902-C-T. GRCh37 (hg19) VCF-style: chr4-55130069-C-T.
Other names: c.603C>T, p.Ile201= (NM_001347827.2, NM_001347829.2); c.678C>T, p.Ile226= (NM_001347828.2); c.642C>T, p.Ile214= (NM_001347830.2).
Identifiers: ClinVar variation 414498 (VCV000414498.12), dbSNP rs1060504248, ClinGen allele CA16611633.